The following is an entry in ClinVar:

ClinVar aggregate classification (germline): Pathogenic (1 of 4 stars; one submission).

Conditions:
Marfan syndrome (MFS). Also called: Marfan syndrome type 1; Marfan's syndrome; FBN1-Related Marfan Syndrome; MARFAN SYNDROME, TYPE I; Marfan syndrome, classic. Identifiers: Orphanet 284963, Orphanet 558, MedGen C0024796, MONDO:0007947, OMIM 154700.

Submission:

Centre of Medical Genetics, University of Antwerp
Classification: Pathogenic for Marfan syndrome. Last evaluated: 2021-03-01. Review status: criteria provided, single submitter. Criteria: Submitter's publication. Collection method: research. Allele origin: unknown. Affected: yes.
Comment: PM2, PVS1, PP4

NM_000138.5(FBN1):c.5956_5957insA (p.Pro1986fs)

Gene: FBN1 (fibrillin 1; minus strand). Cytogenetic location: 15q21.1.
Variant type: Insertion.
Coding change: c.5956_5957insA on transcript NM_000138.5 (MANE Select); coding-DNA positions 5956 to 5957, A inserted.
Protein change: p.Pro1986fs; shifts the reading frame from proline 1986.
Molecular consequence: frameshift variant.
Genome position: GRCh38 VCF-style: chr15-48444621-G-GT. GRCh37 (hg19) VCF-style: chr15-48736818-G-GT.
Other names: c.5956_5957insA, p.Pro1986fs (NM_001406716.1); short protein forms P1986fs.
Identifiers: ClinVar variation 1325432 (VCV001325432.2), dbSNP rs2141248130, ClinGen allele CA2573150952.
Genomic context (GRCh38, chr15:48,444,621, plus strand): 5'-AGACTGTATCCAGGTGGGCAAATGCATCTGTAGGACCCATCCAAGTTTTGACAGGTACCT[G>GT]GTGCACATTTTCTGGGTTCTAGAAGACATTCATTGATATCTGCAAAGAAAAGGGAAAAAT-3'